The following is an entry in ClinVar:

ClinVar aggregate classification (germline): Likely benign (1 of 4 stars; one submission).

Conditions:
PAX6-related disorder. Also called: PAX6-related disorders; PAX6-related condition.

gnomAD v4.1: 1 of 1,614,200 alleles (0.000062%); highest among the groups gnomAD compares: South Asian, 0.0011%; no homozygotes.

Submission:

PreventionGenetics, part of Exact Sciences
Classification: Likely benign for PAX6-related condition. Last evaluated: 2026-06-08. Review status: criteria provided, single submitter. Criteria: ACMG Guidelines, 2015. Collection method: clinical testing. Allele origin: germline.
Comment: This variant is classified as likely benign based on ACMG/AMP sequence variant interpretation guidelines (Richards et al. 2015 PMID: 25741868, with internal and published modifications).

NM_001368894.2(PAX6):c.948C>T (p.Pro316=)

Gene: PAX6 (paired box 6; minus strand). Cytogenetic location: 11p13.
Variant type: single nucleotide variant.
Coding change: c.948C>T on transcript NM_001368894.2 (MANE Select); coding-DNA position 948, C replaced by T.
Protein change: p.Pro316=; no amino-acid change (proline 316 retained).
Molecular consequence: synonymous variant. On other transcripts: non-coding transcript variant (2).
Genome position (GRCh38, 1-based): chr11:31,793,662, G>A on the plus strand (C>T on the coding strand, the complement: PAX6 is on the minus strand). VCF-style: chr11-31793662-G-A. GRCh37 (hg19) VCF-style: chr11-31815210-G-A.
Other names: c.906C>T, p.Pro302= (NM_000280.6, NM_001127612.3, NM_001258464.2 and 10 more transcripts); c.948C>T, p.Pro316= (NM_001258462.3, NM_001258463.2, NM_001310158.2 and 6 more transcripts); c.498C>T, p.Pro166= (NM_001310160.2, NM_001310161.3, NM_001368899.2 and 11 more transcripts); c.1149C>T, p.Pro383= (NM_001368910.2); c.951C>T, p.Pro317= (NM_001368911.2); c.1023C>T, p.Pro341= (NM_001368918.2, NM_001368919.2); c.981C>T, p.Pro327= (NM_001368920.2); c.747C>T, p.Pro249= (NM_001368921.2, NM_001368922.2, NM_001368923.2 and 4 more transcripts); and 2 more.
Identifiers: ClinVar variation 4983161 (VCV004983161.1).
Genomic context (GRCh38, chr11:31,793,662, plus strand): 5'-AGCAAACAGGTTTAAAGACATTGATTCGTAGTATTAGTATTTCAAATTACCCGGTGTGGT[G>A]GGTTGTGGAATTGGTTGGTAGACACTGGTGCTGAAACTACTGCTGATAGGAATATGACTA-3'
Protein context (NP_001355823.1, residues 306-326): STSVYQPIPQ[Pro316=]TTPVSSFTSG